The following is an entry in ClinVar:

ClinVar aggregate classification (germline): Likely pathogenic. Review status: criteria provided, multiple submitters, no conflicts (2 of 4 stars). 2 submissions from 2 submitters: Likely pathogenic (2). Last evaluated 2025-10-27.

Conditions:
Isovaleryl-CoA dehydrogenase deficiency (IVA). Also called: ISOVALERIC ACID CoA DEHYDROGENASE DEFICIENCY; Isovaleric acidemia; Classic Isovaleric Acidemia; IVD DEFICIENCY. Identifiers: Orphanet 33, MedGen C0268575, MONDO:0009475, OMIM 243500.

Allele frequency attached by ClinVar (database versions not stated): TOPMed 0.00003.
gnomAD v4.1: 3 of 1,614,112 alleles (0.00019%); highest among the groups gnomAD compares: Middle Eastern, 0.016%; no homozygotes.

Submissions (2):

Natera, Inc.
Classification: Likely pathogenic for Isovaleryl-coa dehydrogenase deficiency. Last evaluated: 2025-10-27. Review status: criteria provided, single submitter. Criteria: Natera Variant Classification Schema (03/2026). Collection method: clinical testing. Allele origin: germline.
Comment: The c.466C>G variant in IVD is a missense variant predicted to cause substitution of leucine to valine at amino acid 156. This variant is rare in the general population with a frequency below the threshold expected for the associated phenotype(s). This variant has been observed in one or more individuals affected with the associated recessive disease, as either homozygous or compound heterozygous with a second variant (PMID: 32977617, 39318119). Given the available evidence, this variant is classified as Likely Pathogenic.

Labcorp Genetics (formerly Invitae), Labcorp
Classification: Likely pathogenic for Isovaleryl-CoA dehydrogenase deficiency. Last evaluated: 2025-05-19. Review status: criteria provided, single submitter. Criteria: Invitae Variant Classification Sherloc (09022015). Collection method: clinical testing. Allele origin: germline.
Comment: This sequence change replaces leucine, which is neutral and non-polar, with valine, which is neutral and non-polar, at codon 156 of the IVD protein (p.Leu156Val). This variant is present in population databases (no rsID available, gnomAD 0.003%). This missense change has been observed in individuals with clinical features of isovaleric acidemia (PMID: 32977617, 33496032; internal data). ClinVar contains an entry for this variant (Variation ID: 1397531). An algorithm developed to predict the effect of missense changes on protein structure and function (PolyPhen-2) suggests that this variant is likely to be tolerated. This variant disrupts the p.Leu156 amino acid residue in IVD. Other variant(s) that disrupt this residue have been observed in individuals with IVD-related conditions (PMID: 35846131), which suggests that this may be a clinically significant amino acid residue. In summary, the currently available evidence indicates that the variant is pathogenic, but additional data are needed to prove that conclusively. Therefore, this variant has been classified as Likely Pathogenic.

Literature cited by the submitters: PubMed 32977617 (cited by Natera, Inc. and Labcorp Genetics (formerly Invitae), Labcorp); PubMed 39318119 (cited by Natera, Inc.); PubMed 33496032 (cited by Labcorp Genetics (formerly Invitae), Labcorp); PubMed 35846131 (cited by Labcorp Genetics (formerly Invitae), Labcorp).

NM_002225.5(IVD):c.457C>G (p.Leu153Val)

Gene: IVD (isovaleryl-CoA dehydrogenase; plus strand). Cytogenetic location: 15q15.1.
Variant type: single nucleotide variant.
Coding change: c.457C>G on transcript NM_002225.5 (MANE Select); coding-DNA position 457, C replaced by G.
Protein change: p.Leu153Val; replaces leucine 153 with valine.
Molecular consequence: missense variant. On other transcripts: non-coding transcript variant (1).
Genome position (GRCh38, 1-based): chr15:40,411,260, C>G. VCF-style: chr15-40411260-C-G. GRCh37 (hg19) VCF-style: chr15-40703459-C-G.
Other names: c.367C>G, p.Leu123Val (NM_001159508.3); c.409C>G, p.Leu137Val (NM_001354597.3); c.457C>G, p.Leu153Val (NM_001354598.3, NM_001354601.3); c.544C>G, p.Leu182Val (NM_001354599.3, NM_001354600.3); c.466C>G (NM_002225.3); short protein forms L153V, L182V, L123V, L137V.
Identifiers: ClinVar variation 1397531 (VCV001397531.7), dbSNP rs763665120, ClinGen allele CA391716921.